The following is an entry in ClinVar:

ClinVar aggregate classification (germline): Conflicting classifications of pathogenicity. Review status: criteria provided, conflicting classifications (1 of 4 stars). 2 submissions from 2 submitters: Uncertain significance (1); Likely benign (1). Last evaluated 2025-07-01.

Conditions:
Inborn genetic diseases. Identifiers: MedGen C0950123, MeSH D030342.

gnomAD v4.1: 37 of 1,613,230 alleles (0.0023%); highest among the groups gnomAD compares: Non-Finnish European, 0.003%; no homozygotes.

Submissions (2):

CeGaT Center for Human Genetics Tuebingen
Classification: Likely benign. Last evaluated: 2025-07-01. Review status: criteria provided, single submitter. Criteria: CeGaT Center For Human Genetics Tuebingen Variant Classification Criteria Version 2. Collection method: clinical testing. Allele origin: germline. Affected: yes. Observed: 1 variant allele.
Comment: NRIP1: BP4

Ambry Genetics
Classification: Uncertain significance for Inborn genetic diseases. Last evaluated: 2024-06-28. Review status: criteria provided, single submitter. Criteria: Ambry Variant Classification Scheme 2023. Collection method: clinical testing. Allele origin: germline.

NM_003489.4(NRIP1):c.3346G>A (p.Ala1116Thr)

Gene: NRIP1 (nuclear receptor interacting protein 1; minus strand). Cytogenetic location: 21q11.2.
Variant type: single nucleotide variant.
Coding change: c.3346G>A on transcript NM_003489.4 (MANE Select); coding-DNA position 3346, G replaced by A.
Protein change: p.Ala1116Thr; replaces alanine 1116 with threonine.
Molecular consequence: missense variant.
Genome position (GRCh38, 1-based): chr21:14,964,847, C>T on the plus strand (G>A on the coding strand, the complement: NRIP1 is on the minus strand). VCF-style: chr21-14964847-C-T. GRCh37 (hg19) VCF-style: chr21-16337168-C-T.
Other names: short protein forms A1116T.
Identifiers: ClinVar variation 3407811 (VCV003407811.9).